The following is an entry in ClinVar:

ClinVar aggregate classification (germline): Likely benign. Review status: criteria provided, multiple submitters, no conflicts (2 of 4 stars). 5 submissions from 5 submitters: Likely benign (4). 1 of the submissions does not count toward it. Last evaluated 2026-09-06.

Conditions:
CYP27A1-related disorder. Also called: CYP27A1-related condition.
Cholestanol storage disease (CTX). Also called: CEREBRAL CHOLESTERINOSIS; CTX: Cerebrotendinous xanthomatosis; Cerebrotendinous Xanthomatosis. Identifiers: Orphanet 909, MedGen C0238052, MONDO:0008948, OMIM 213700.
Cardiovascular phenotype. Identifiers: MedGen CN230736.

Allele frequency attached by ClinVar (database versions not stated): gnomAD exomes below 0.00001 and 0.00001; ExAC 0.00001.
gnomAD v4.1: 10 of 1,613,696 alleles (0.00062%); highest among the groups gnomAD compares: Non-Finnish European, 0.00085%; no homozygotes.

Submissions (5):

Ambry Genetics
Classification: Likely benign for Cardiovascular phenotype. Last evaluated: 2026-09-06. Review status: criteria provided, single submitter. Criteria: Ambry Variant Classification Scheme 2023. Collection method: clinical testing. Allele origin: germline.

CeGaT Center for Human Genetics Tuebingen
Classification: Likely benign. Last evaluated: 2026-03-01. Review status: criteria provided, single submitter. Criteria: CeGaT Center For Human Genetics Tuebingen Variant Classification Criteria Version 2. Collection method: clinical testing. Allele origin: germline. Affected: yes. Observed: 1 variant allele.
Comment: CYP27A1: BP4, BP7

Labcorp Genetics (formerly Invitae), Labcorp
Classification: Likely benign for Cholestanol storage disease. Last evaluated: 2026-01-09. Review status: criteria provided, single submitter. Criteria: Invitae Variant Classification Sherloc (09022015). Collection method: clinical testing. Allele origin: germline.

Blueprint Genetics
Classification: Likely benign. Last evaluated: 2024-02-08. Review status: criteria provided, single submitter. Criteria: ACMG Guidelines, 2015. Collection method: clinical testing. Allele origin: germline.

PreventionGenetics, part of Exact Sciences
Classification: Likely benign for CYP27A1-related condition. Last evaluated: 2023-07-06. Review status: no assertion criteria provided. Collection method: clinical testing. Allele origin: germline. Not counted in ClinVar's aggregate classification.
Comment: This variant is classified as likely benign based on ACMG/AMP sequence variant interpretation guidelines (Richards et al. 2015 PMID: 25741868, with internal and published modifications).

NM_000784.4(CYP27A1):c.450A>G (p.Glu150=)

Gene: CYP27A1 (cytochrome P450 family 27 subfamily A member 1; plus strand). Cytogenetic location: 2q35.
Variant type: single nucleotide variant.
Coding change: c.450A>G on transcript NM_000784.4 (MANE Select); coding-DNA position 450, A replaced by G.
Protein change: p.Glu150=; no amino-acid change (glutamic acid 150 retained).
Molecular consequence: synonymous variant.
Genome position (GRCh38, 1-based): chr2:218,812,225, A>G. VCF-style: chr2-218812225-A-G. GRCh37 (hg19) VCF-style: chr2-219676948-A-G.
Other names: c.450A>G (NM_000784.3).
Identifiers: ClinVar variation 1100346 (VCV001100346.17), dbSNP rs749515902, ClinGen allele CA2112617.